The following is an entry in ClinVar:

ClinVar aggregate classification (germline): Uncertain significance. Review status: criteria provided, multiple submitters, no conflicts (2 of 4 stars). 2 submissions from 2 submitters: Uncertain significance (2). Last evaluated 2025-12-14.

Conditions:
Hypertrophic cardiomyopathy 2. Also called: TNNT2-Related Familial Hypertrophic Cardiomyopathy. Identifiers: MedGen C1861864, MONDO:0007266, OMIM 115195.
Dilated cardiomyopathy 1D. Identifiers: Orphanet 154, Orphanet 54260, MedGen C1832243, MONDO:0011095, OMIM 601494.
Cardiomyopathy, familial restrictive, 3. Identifiers: Orphanet 75249, MedGen C2676271, MONDO:0012900, OMIM 612422.
Cardiomyopathy (CMYO). Also called: Cardiomyopathies. Identifiers: Orphanet 167848, MedGen C0878544, MONDO:0004994, HP:0001638. Inheritance: Various modes of inheritance.

Allele frequency attached by ClinVar (database versions not stated): gnomAD exomes below 0.00001.
gnomAD v4.1: 1 of 1,614,182 alleles (0.000062%); highest among the groups gnomAD compares: Non-Finnish European, 0.000085%; no homozygotes.

Submissions (2):

Labcorp Genetics (formerly Invitae), Labcorp
Classification: Uncertain significance for Cardiomyopathy, familial restrictive, 3; Hypertrophic cardiomyopathy 2; Dilated cardiomyopathy 1D. Last evaluated: 2025-12-14. Review status: criteria provided, single submitter. Criteria: Invitae Variant Classification Sherloc (09022015). Collection method: clinical testing. Allele origin: germline.
Comment: This sequence change replaces serine, which is neutral and polar, with asparagine, which is neutral and polar, at codon 239 of the TNNT2 protein (p.Ser239Asn). This variant is not present in population databases (gnomAD no frequency). This variant has not been reported in the literature in individuals affected with TNNT2-related conditions. ClinVar contains an entry for this variant (Variation ID: 3072837). Invitae Evidence Modeling of protein sequence and biophysical properties (such as structural, functional, and spatial information, amino acid conservation, physicochemical variation, residue mobility, and thermodynamic stability) indicates that this missense variant is not expected to disrupt TNNT2 protein function with a negative predictive value of 80%. In summary, the available evidence is currently insufficient to determine the role of this variant in disease. Therefore, it has been classified as a Variant of Uncertain Significance.

All of Us Research Program, National Institutes of Health
Classification: Uncertain significance for Cardiomyopathy. Last evaluated: 2023-08-15. Review status: criteria provided, single submitter. Criteria: ACMG Guidelines, 2015. Collection method: clinical testing. Allele origin: germline. Inheritance: Autosomal dominant inheritance. Observed: 1 variant allele, 1 heterozygote.
Comment: This study involves interpretation of variants in research participants for the purpose of population health screening. Participant phenotype was not available at the time of variant classification. Additional details can be found in publication PMID: 35346344, PMCID: PMC8962531

NM_001276345.2(TNNT2):c.746G>A (p.Ser249Asn)

Gene: TNNT2 (troponin T2, cardiac type; minus strand). Cytogenetic location: 1q32.1.
Variant type: single nucleotide variant.
Coding change: c.746G>A on transcript NM_001276345.2 (MANE Select); coding-DNA position 746, G replaced by A.
Protein change: p.Ser249Asn; replaces serine 249 with asparagine.
Molecular consequence: missense variant.
Genome position (GRCh38, 1-based): chr1:201,361,343, C>T on the plus strand (G>A on the coding strand, the complement: TNNT2 is on the minus strand). VCF-style: chr1-201361343-C-T. GRCh37 (hg19) VCF-style: chr1-201330471-C-T.
Other names: c.737G>A, p.Ser246Asn (NM_000364.4, NM_001406723.1); c.716G>A, p.Ser239Asn (NM_001001430.3, NM_001276347.2, NM_001406724.1); c.707G>A, p.Ser236Asn (NM_001001431.3, NM_001406726.1, NM_001406727.1); c.698G>A, p.Ser233Asn (NM_001001432.3); c.617G>A, p.Ser206Asn (NM_001276346.2); c.713G>A, p.Ser238Asn (NM_001406725.1); c.701G>A, p.Ser234Asn (NM_001406728.1); short protein forms S206N, S233N, S234N, S236N, S238N, S239N, S246N, S249N.
Identifiers: ClinVar variation 3072837 (VCV003072837.2), dbSNP rs2996495, ClinGen allele CA032675.